The following is an entry in ClinVar:

ClinVar aggregate classification (germline): Pathogenic (1 of 4 stars; one submission).

Conditions:
Angelman syndrome-like. Identifiers: MedGen CN128785.
Developmental and epileptic encephalopathy, 2 (DEE2). Also called: INFANTILE SPASM SYNDROME, X-LINKED 2; CDKL5 deficiency disorder. Identifiers: Orphanet 1934, Orphanet 3451, Orphanet 505652, MedGen C4750718, MONDO:0010396, OMIM 300672.

Submission:

Labcorp Genetics (formerly Invitae), Labcorp
Classification: Pathogenic for Developmental and epileptic encephalopathy, 2; Angelman syndrome-like. Last evaluated: 2018-07-15. Review status: criteria provided, single submitter. Criteria: Invitae Variant Classification Sherloc (09022015). Collection method: clinical testing. Allele origin: germline.
Comment: For these reasons, this variant has been classified as Pathogenic. Loss-of-function variants in CDKL5 are known to be pathogenic (PMID: 22872100). This variant has not been reported in the literature in individuals with CDKL5-related disease. This variant is not present in population databases (ExAC no frequency). This sequence change creates a premature translational stop signal (p.Ser782*) in the CDKL5 gene. It is expected to result in an absent or disrupted protein product.

Literature cited by the submitters: PubMed 22872100.

NM_001323289.2(CDKL5):c.2345C>G (p.Ser782Ter)

Gene: CDKL5 (cyclin dependent kinase like 5; plus strand). Cytogenetic location: Xp22.13.
Variant type: single nucleotide variant.
Coding change: c.2345C>G on transcript NM_001323289.2 (MANE Select); coding-DNA position 2345, C replaced by G.
Protein change: p.Ser782Ter; replaces serine 782 with a stop codon.
Molecular consequence: nonsense.
Genome position (GRCh38, 1-based): chrX:18,619,935, C>G. VCF-style: chrX-18619935-C-G. GRCh37 (hg19) VCF-style: chrX-18638055-C-G.
Other names: c.2345C>G, p.Ser782Ter (NM_001037343.2, NM_003159.3); short protein forms S782*.
Identifiers: ClinVar variation 662018 (VCV000662018.7), dbSNP rs1555954074, ClinGen allele CA412363753.
Genomic context (GRCh38, chrX:18,619,935, plus strand): 5'-CTGAAAATATTAGTCATTCAGAGCAACTCAAGGAAAAAGAGAAGCAAGGATTTTTCAGGT[C>G]AATGAAAAAGAAAAAGAAGAAATCTCAAACAGTAAGTAGATGACCAGTTTCTATATATAA-3'